The following is an entry in ClinVar:

NM_005591.4(MRE11):c.1998G>T (p.Trp666Cys)

Gene: MRE11 (MRE11 double strand break repair nuclease; minus strand). Cytogenetic location: 11q21.
Variant type: single nucleotide variant.
Coding change: c.1998G>T on transcript NM_005591.4 (MANE Select); coding-DNA position 1998, G replaced by T.
Protein change: p.Trp666Cys; replaces tryptophan 666 with cysteine.
Molecular consequence: missense variant.
Genome position (GRCh38, 1-based): chr11:94,429,983, C>A on the plus strand (G>T on the coding strand, the complement: MRE11 is on the minus strand). VCF-style: chr11-94429983-C-A. GRCh37 (hg19) VCF-style: chr11-94163149-C-A.
Other names: c.1995G>T, p.Trp665Cys (NM_001330347.2); c.1914G>T, p.Trp638Cys (NM_005590.4); short protein forms W638C, W665C, W666C.
Identifiers: ClinVar variation 1800014 (VCV001800014.2), dbSNP rs950535969, ClinGen allele CA226545832.

ClinVar aggregate classification (germline): Uncertain significance (1 of 4 stars; one submission).

Conditions:
Hereditary cancer-predisposing syndrome. Also called: Neoplastic Syndromes, Hereditary; Tumor predisposition; Hereditary Cancer Syndrome; Hereditary neoplastic syndrome. Identifiers: Orphanet 140162, MedGen C0027672, MeSH D009386, MONDO:0015356.

Submission:

Ambry Genetics
Classification: Uncertain significance for Hereditary cancer-predisposing syndrome. Last evaluated: 2022-02-22. Review status: criteria provided, single submitter. Criteria: Ambry Variant Classification Scheme 2023. Collection method: clinical testing. Allele origin: germline.
Comment: The p.W666C variant (also known as c.1998G>T), located in coding exon 18 of the MRE11A gene, results from a G to T substitution at nucleotide position 1998. The tryptophan at codon 666 is replaced by cysteine, an amino acid with highly dissimilar properties. This amino acid position is conserved. In addition, this alteration is predicted to be tolerated by in silico analysis. Since supporting evidence is limited at this time, the clinical significance of this alteration remains unclear.